The following is an entry in ClinVar:

ClinVar aggregate classification (germline): Benign. Review status: criteria provided, multiple submitters, no conflicts (2 of 4 stars). 5 submissions from 5 submitters: Benign (5). Last evaluated 2025-12-20.

Allele frequency attached by ClinVar (database versions not stated): gnomAD exomes 0.00097 and 0.00290; ExAC 0.00358; gnomAD 0.01115 and 0.01177; ESP Exome Variant Server 0.01215; TOPMed 0.01218; 1000 Genomes Project 0.01538; 1000 Genomes Project 30x 0.01765.
gnomAD v4.1: 3,123 of 1,577,730 alleles (0.2%); highest among the groups gnomAD compares: African/African-American, 3.8%; 73 homozygotes.

Submissions (5):

Labcorp Genetics (formerly Invitae), Labcorp
Classification: Benign. Last evaluated: 2025-12-20. Review status: criteria provided, single submitter. Criteria: Invitae Variant Classification Sherloc (09022015). Collection method: clinical testing. Allele origin: germline.

Athena Diagnostics
Classification: Benign. Last evaluated: 2019-08-05. Review status: criteria provided, single submitter. Criteria: Athena Diagnostics Criteria. Collection method: clinical testing. Allele origin: germline.

GeneDx
Classification: Benign. Last evaluated: 2017-11-17. Review status: criteria provided, single submitter. Criteria: GeneDx Variant Classification (06012015). Collection method: clinical testing. Allele origin: germline. Affected: yes.
Comment: This variant is considered likely benign or benign based on one or more of the following criteria: it is a conservative change, it occurs at a poorly conserved position in the protein, it is predicted to be benign by multiple in silico algorithms, and/or has population frequency not consistent with disease.

Laboratory for Molecular Medicine, Mass General Brigham Personalized Medicine
Classification: Benign. Last evaluated: 2017-08-23. Review status: criteria provided, single submitter. Criteria: LMM Criteria. Collection method: clinical testing. Allele origin: germline. Observed: 1 variant allele.
Comment: p.Gln691Gln in exon 19 of EPS8: This variant is not expected to have clinical si gnificance because it does not alter an amino acid residue, is not located withi n the splice consensus sequence, and has been identified in 3.83% (395/10304) of African chromosomes by the Exome Aggregation Consortium (ExAC; dbSNP rs61729666).

Breakthrough Genomics
Classification: Benign. Review status: criteria provided, single submitter. Criteria: ACMG Guidelines, 2015. Collection method: not provided. Allele origin: germline. Inheritance: Autosomal recessive inheritance. Affected: yes.

NM_004447.6(EPS8):c.2073A>G (p.Gln691=)

Gene: EPS8 (EGFR pathway substrate 8, signaling adaptor; minus strand). Cytogenetic location: 12p12.3.
Variant type: single nucleotide variant.
Coding change: c.2073A>G on transcript NM_004447.6 (MANE Select); coding-DNA position 2073, A replaced by G.
Protein change: p.Gln691=; no amino-acid change (glutamine 691 retained).
Molecular consequence: synonymous variant.
Genome position (GRCh38, 1-based): chr12:15,624,379, T>C on the plus strand (A>G on the coding strand, the complement: EPS8 is on the minus strand). VCF-style: chr12-15624379-T-C. GRCh37 (hg19) VCF-style: chr12-15777313-T-C.
Identifiers: ClinVar variation 513633 (VCV000513633.16), dbSNP rs61729666, ClinGen allele CA6467363.